The following is an entry in ClinVar:

ClinVar aggregate classification (germline): Uncertain significance (1 of 4 stars; one submission).

gnomAD v4.1: 25 of 1,613,164 alleles (0.0015%); highest among the groups gnomAD compares: Non-Finnish European, 0.0021%; no homozygotes.

Submission:

Labcorp Genetics (formerly Invitae), Labcorp
Classification: Uncertain significance. Last evaluated: 2024-08-27. Review status: criteria provided, single submitter. Criteria: Invitae Variant Classification Sherloc (09022015). Collection method: clinical testing. Allele origin: germline.
Comment: This sequence change affects a donor splice site in intron 7 of the MMP9 gene. It is expected to disrupt RNA splicing. Variants that disrupt the donor or acceptor splice site typically lead to a loss of protein function (PMID: 16199547), however the current clinical and genetic evidence is not sufficient to establish whether loss-of-function variants in MMP9 cause disease. This variant is present in population databases (rs762346550, gnomAD 0.0009%). This variant has not been reported in the literature in individuals affected with MMP9-related conditions. Algorithms developed to predict the effect of sequence changes on RNA splicing suggest that this variant may disrupt the consensus splice site. In summary, the available evidence is currently insufficient to determine the role of this variant in disease. Therefore, it has been classified as a Variant of Uncertain Significance.

Literature cited by the submitters: PubMed 16199547.

NM_004994.3(MMP9):c.1174+2T>C

Gene: MMP9 (matrix metallopeptidase 9; plus strand). Cytogenetic location: 20q13.12.
Variant type: single nucleotide variant.
Coding change: c.1174+2T>C on transcript NM_004994.3 (MANE Select); the canonical splice donor site of the intron after coding-DNA position 1174, T replaced by C.
Molecular consequence: splice donor variant.
Genome position (GRCh38, 1-based): chr20:46,012,315, T>C. VCF-style: chr20-46012315-T-C. GRCh37 (hg19) VCF-style: chr20-44640954-T-C.
Identifiers: ClinVar variation 3617300 (VCV003617300.2).